The following is an entry in ClinVar:

NM_032043.3(BRIP1):c.819_824del (p.Met273_Thr274del)

Gene: BRIP1 (BRCA1 interacting DNA helicase 1; minus strand). Cytogenetic location: 17q23.2.
Variant type: Deletion.
Coding change: c.819_824del on transcript NM_032043.3 (MANE Select); coding-DNA positions 819 to 824, 6 bases deleted (GACTAT; older notation c.819_824delGACTAT).
Protein change: p.Met273_Thr274del.
Molecular consequence: inframe deletion.
Genome position (GRCh38, 1-based): chr17:61,808,561-61,808,566, ATAGTC deleted on the plus strand (GACTAT on the coding strand, the reverse complement: BRIP1 is on the minus strand); deleting any 6 consecutive bases within chr17:61,808,561-61,808,568 gives the same sequence; the c. name uses the placement nearest the transcript's 3' end. VCF-style (leftmost placement, unchanged base first): chr17-61808560-AATAGTC-A. GRCh37 (hg19) VCF-style: chr17-59885921-AATAGTC-A.
Identifiers: ClinVar variation 1363354 (VCV001363354.9), dbSNP rs2145414960, ClinGen allele CA2573154363.

ClinVar aggregate classification (germline): Uncertain significance (1 of 4 stars; one submission).

Conditions:
Familial cancer of breast. Also called: BREAST CANCER, FAMILIAL; hereditary breast carcinoma; Hereditary breast cancer. Identifiers: Orphanet 227535, MedGen C0346153, MONDO:0016419, OMIM 114480. Disease mechanism: loss of function.
Fanconi anemia complementation group J. Also called: BRIP1-Related Fanconi Anemia. Identifiers: Orphanet 84, MedGen C1836860, MONDO:0012187, OMIM 609054.

Submission:

Labcorp Genetics (formerly Invitae), Labcorp
Classification: Uncertain significance for Familial cancer of breast; Fanconi anemia complementation group J. Last evaluated: 2021-06-25. Review status: criteria provided, single submitter. Criteria: Invitae Variant Classification Sherloc (09022015). Collection method: clinical testing. Allele origin: germline.
Comment: This variant, c.819_824del, results in the deletion of 2 amino acid(s) of the BRIP1 protein (p.Met273_Thr274del), but otherwise preserves the integrity of the reading frame. This variant is not present in population databases (ExAC no frequency). This variant has not been reported in the literature in individuals with BRIP1-related conditions. Experimental studies and prediction algorithms are not available or were not evaluated, and the functional significance of this variant is currently unknown. In summary, the available evidence is currently insufficient to determine the role of this variant in disease. Therefore, it has been classified as a Variant of Uncertain Significance.